The following is an entry in ClinVar:

ClinVar aggregate classification (germline): Uncertain significance (1 of 4 stars; one submission).

Conditions:
Cardiomyopathy (CMYO). Also called: Cardiomyopathies. Identifiers: Orphanet 167848, MedGen C0878544, MONDO:0004994, HP:0001638. Inheritance: Various modes of inheritance.

Allele frequency attached by ClinVar (database versions not stated): gnomAD exomes below 0.00001.
gnomAD v4.1: 1 of 1,613,970 alleles (0.000062%); highest among the groups gnomAD compares: Non-Finnish European, 0.000085%; no homozygotes.

Submission:

Color Diagnostics, LLC DBA Color Health
Classification: Uncertain significance for Cardiomyopathy. Last evaluated: 2023-12-05. Review status: criteria provided, single submitter. Criteria: ACMG Guidelines, 2015. Collection method: clinical testing. Allele origin: germline.
Comment: Variant of Uncertain Significance due to insufficient evidence: This missense variant is located in the propeptide domain of the DSC2 protein. Computational prediction tools and conservation analyses suggest that this variant may not impact the protein function. Computational splicing tools suggest that this variant may not impact RNA splicing. To our knowledge, functional assays have not been performed for this variant nor has this variant been reported in individuals affected with cardiovascular disorders in the literature. This variant is rare in the general population and has been identified in 0/277264 chromosomes by the Genome Aggregation Database (gnomAD). Available evidence is insufficient to determine the pathogenicity of this variant conclusively.

NM_024422.6(DSC2):c.393G>T (p.Arg131Ser)

Gene: DSC2 (desmocollin 2; minus strand). Cytogenetic location: 18q12.1.
Variant type: single nucleotide variant.
Coding change: c.393G>T on transcript NM_024422.6 (MANE Select); coding-DNA position 393, G replaced by T.
Protein change: p.Arg131Ser; replaces arginine 131 with serine.
Molecular consequence: missense variant.
Genome position (GRCh38, 1-based): chr18:31,091,109, C>A on the plus strand (G>T on the coding strand, the complement: DSC2 is on the minus strand). VCF-style: chr18-31091109-C-A. GRCh37 (hg19) VCF-style: chr18-28671072-C-A.
Other names: c.393G>T, p.Arg131Ser (NM_004949.5); short protein forms R131S.
Identifiers: ClinVar variation 629685 (VCV000629685.4), dbSNP rs987038341, ClinGen allele CA297643464.